The following is an entry in ClinVar:

ClinVar aggregate classification (germline): Uncertain significance. Review status: criteria provided, multiple submitters, no conflicts (2 of 4 stars). 3 submissions from 3 submitters: Uncertain significance (3). Last evaluated 2025-01-20.

Conditions:
Acromesomelic dysplasia 1, Maroteaux type (AMD1). Also called: ST. HELENA DYSPLASIA; ACROMESOMELIC DYSPLASIA 1. Identifiers: Orphanet 40, MedGen C1864356, MONDO:0011275, OMIM 602875.
Inborn genetic diseases. Identifiers: MedGen C0950123, MeSH D030342.
Tall stature-scoliosis-macrodactyly of the great toes syndrome. Also called: Epiphyseal chondrodysplasia, miura type. Identifiers: Orphanet 329191, MedGen C4014690, MONDO:0014401, OMIM 615923.

Allele frequency attached by ClinVar (database versions not stated): ESP Exome Variant Server 0.00015; gnomAD 0.00011 and 0.00012; TOPMed 0.00009.
gnomAD v4.1: 193 of 1,613,768 alleles (0.012%); highest among the groups gnomAD compares: Non-Finnish European, 0.014%; no homozygotes.

Submissions (3):

Labcorp Genetics (formerly Invitae), Labcorp
Classification: Uncertain significance for Tall stature-scoliosis-macrodactyly of the great toes syndrome; Acromesomelic dysplasia 1, Maroteaux type. Last evaluated: 2025-01-20. Review status: criteria provided, single submitter. Criteria: Invitae Variant Classification Sherloc (09022015). Collection method: clinical testing. Allele origin: germline.
Comment: This sequence change replaces arginine, which is basic and polar, with histidine, which is basic and polar, at codon 947 of the NPR2 protein (p.Arg947His). This variant is present in population databases (rs145008570, gnomAD 0.02%). This variant has not been reported in the literature in individuals affected with NPR2-related conditions. ClinVar contains an entry for this variant (Variation ID: 914491). Invitae Evidence Modeling of protein sequence and biophysical properties (such as structural, functional, and spatial information, amino acid conservation, physicochemical variation, residue mobility, and thermodynamic stability) indicates that this missense variant is not expected to disrupt NPR2 protein function with a negative predictive value of 80%. In summary, the available evidence is currently insufficient to determine the role of this variant in disease. Therefore, it has been classified as a Variant of Uncertain Significance.

Ambry Genetics
Classification: Uncertain significance for Inborn genetic diseases. Last evaluated: 2021-06-18. Review status: criteria provided, single submitter. Criteria: Ambry Variant Classification Scheme 2023. Collection method: clinical testing. Allele origin: germline.

Illumina Laboratory Services, Illumina
Classification: Uncertain significance for Acromesomelic dysplasia 1, Maroteaux type. Last evaluated: 2018-01-13. Review status: criteria provided, single submitter. Criteria: ICSL Variant Classification Criteria 13 December 2019. Collection method: clinical testing. Allele origin: germline.

NM_003995.4(NPR2):c.2840G>A (p.Arg947His)

Genes: NPR2 (natriuretic peptide receptor 2; plus strand), SPAG8 (sperm associated antigen 8; minus strand). Cytogenetic location: 9p13.3.
Variant type: single nucleotide variant.
Coding change: c.2840G>A on transcript NM_003995.4 (MANE Select); coding-DNA position 2840, G replaced by A.
Protein change: p.Arg947His; replaces arginine 947 with histidine.
Molecular consequence: missense variant. On other transcripts: intron variant (2).
Genome position (GRCh38, 1-based): chr9:35,808,636, G>A. VCF-style: chr9-35808636-G-A. GRCh37 (hg19) VCF-style: chr9-35808633-G-A.
Other names: c.2849G>A, p.Arg950His (NM_001378923.1); c.1201-330C>T (NM_001366760.2); c.1373-330C>T (NM_172312.2); short protein forms R947H, R950H.
Identifiers: ClinVar variation 914491 (VCV000914491.14), dbSNP rs145008570, ClinGen allele CA5052138.